The following is an entry in ClinVar:

NM_003183.6(ADAM17):c.1965C>A (p.Phe655Leu)

Genes: ADAM17 (ADAM metallopeptidase domain 17; minus strand), IAH1 (isoamyl acetate hydrolyzing esterase 1 (putative); plus strand). Cytogenetic location: 2p25.1.
Variant type: single nucleotide variant.
Coding change: c.1965C>A on transcript NM_003183.6 (MANE Select); coding-DNA position 1965, C replaced by A.
Protein change: p.Phe655Leu; replaces phenylalanine 655 with leucine.
Molecular consequence: missense variant.
Genome position (GRCh38, 1-based): chr2:9,493,775, G>T on the plus strand (C>A on the coding strand, the complement: ADAM17 is on the minus strand). VCF-style: chr2-9493775-G-T. GRCh37 (hg19) VCF-style: chr2-9633904-G-T.
Other names: c.1305C>A, p.Phe435Leu (NM_001382777.1); c.1068C>A, p.Phe356Leu (NM_001382778.1); c.1965C>A (NM_003183.5); short protein forms F356L, F435L, F655L.
Identifiers: ClinVar variation 2113619 (VCV002113619.5), dbSNP rs2531099779, ClinGen allele CA345796425.

ClinVar aggregate classification (germline): Uncertain significance. Review status: criteria provided, multiple submitters, no conflicts (2 of 4 stars). 2 submissions from 2 submitters: Uncertain significance (2). Last evaluated 2022-10-05.

Conditions:
Inflammatory skin and bowel disease, neonatal, 1. Identifiers: Orphanet 294023, MedGen C3280501, MONDO:0013693, OMIM 614328.
ADAM17-related disorder. Also called: ADAM17-related condition.

Submissions (2):

PreventionGenetics, part of Exact Sciences
Classification: Uncertain significance for ADAM17-related condition. Last evaluated: 2022-10-05. Review status: criteria provided, single submitter. Criteria: ACMG Guidelines, 2015. Collection method: clinical testing. Allele origin: germline.
Comment: The ADAM17 c.1965C>A variant is predicted to result in the amino acid substitution p.Phe655Leu. To our knowledge, this variant has not been reported in the literature or in a large population database, indicating this variant is rare. At this time, the clinical significance of this variant is uncertain due to the absence of conclusive functional and genetic evidence.

Labcorp Genetics (formerly Invitae), Labcorp
Classification: Uncertain significance for Inflammatory skin and bowel disease, neonatal, 1. Last evaluated: 2022-03-18. Review status: criteria provided, single submitter. Criteria: Invitae Variant Classification Sherloc (09022015). Collection method: clinical testing. Allele origin: germline.
Comment: This sequence change replaces phenylalanine, which is neutral and non-polar, with leucine, which is neutral and non-polar, at codon 655 of the ADAM17 protein (p.Phe655Leu). This variant is not present in population databases (gnomAD no frequency). This variant has not been reported in the literature in individuals affected with ADAM17-related conditions. Algorithms developed to predict the effect of missense changes on protein structure and function are either unavailable or do not agree on the potential impact of this missense change (SIFT: "Not Available"; PolyPhen-2: "Benign"; Align-GVGD: "Not Available"). In summary, the available evidence is currently insufficient to determine the role of this variant in disease. Therefore, it has been classified as a Variant of Uncertain Significance.